The following is an entry in ClinVar:

NM_001371986.1(UNC80):c.2534C>T (p.Thr845Ile)

Gene: UNC80 (unc-80 subunit of NALCN channel complex; plus strand). Cytogenetic location: 2q34.
Variant type: single nucleotide variant.
Coding change: c.2534C>T on transcript NM_001371986.1 (MANE Select); coding-DNA position 2534, C replaced by T.
Protein change: p.Thr845Ile; replaces threonine 845 with isoleucine.
Molecular consequence: missense variant.
Genome position (GRCh38, 1-based): chr2:209,829,287, C>T. VCF-style: chr2-209829287-C-T. GRCh37 (hg19) VCF-style: chr2-210694011-C-T.
Other names: c.2534C>T, p.Thr845Ile (NM_032504.2); c.2519C>T, p.Thr840Ile (NM_182587.4); short protein forms T840I, T845I.
Identifiers: ClinVar variation 1320845 (VCV001320845.10), dbSNP rs372195299, ClinGen allele CA2083032.

ClinVar aggregate classification (germline): Conflicting classifications of pathogenicity. Review status: criteria provided, conflicting classifications (1 of 4 stars). 4 submissions from 4 submitters: Uncertain significance (3); Likely benign (1). Last evaluated 2025-12-09.

Conditions:
Inborn genetic diseases. Identifiers: MedGen C0950123, MeSH D030342.

Allele frequency attached by ClinVar (database versions not stated): ExAC 0.00018; gnomAD 0.00036; ESP Exome Variant Server 0.00066.
gnomAD v4.1: 94 of 1,551,282 alleles (0.0061%); highest among the groups gnomAD compares: African/African-American, 0.12%; no homozygotes.

Submissions (4):

Labcorp Genetics (formerly Invitae), Labcorp
Classification: Likely benign. Last evaluated: 2025-12-09. Review status: criteria provided, single submitter. Criteria: Invitae Variant Classification Sherloc (09022015). Collection method: clinical testing. Allele origin: germline.

GeneDx
Classification: Uncertain significance. Last evaluated: 2025-02-16. Review status: criteria provided, single submitter. Criteria: GeneDx Variant Classification Process June 2021. Collection method: clinical testing. Allele origin: germline. Affected: yes.
Comment: In silico analysis indicates that this missense variant does not alter protein structure/function; Has not been previously published as pathogenic or benign to our knowledge

Blueprint Genetics
Classification: Uncertain significance. Last evaluated: 2022-08-31. Review status: criteria provided, single submitter. Criteria: ACMG Guidelines, 2015. Collection method: clinical testing. Allele origin: germline.

Ambry Genetics
Classification: Uncertain significance for Inborn genetic diseases. Last evaluated: 2021-05-21. Review status: criteria provided, single submitter. Criteria: Ambry Variant Classification Scheme 2023. Collection method: clinical testing. Allele origin: germline.